The following is an entry in ClinVar:

NM_001283009.2(RTEL1):c.342G>C (p.Arg114Ser)

Genes: RTEL1 (regulator of telomere elongation helicase 1; plus strand), RTEL1-TNFRSF6B (RTEL1-TNFRSF6B readthrough (NMD candidate); plus strand). Cytogenetic location: 20q13.33.
Variant type: single nucleotide variant.
Coding change: c.342G>C on transcript NM_001283009.2 (MANE Select); coding-DNA position 342, G replaced by C.
Protein change: p.Arg114Ser; replaces arginine 114 with serine.
Molecular consequence: missense variant. On other transcripts: non-coding transcript variant (1), 5 prime UTR variant (1).
Genome position (GRCh38, 1-based): chr20:63,661,890, G>C. VCF-style: chr20-63661890-G-C. GRCh37 (hg19) VCF-style: chr20-62293243-G-C.
Other names: c.-328G>C (NM_001283010.1); c.342G>C, p.Arg114Ser (NM_016434.4, NM_032957.5); short protein forms R114S.
Identifiers: ClinVar variation 3436051 (VCV003436051.1).

ClinVar aggregate classification (germline): Uncertain significance (1 of 4 stars; one submission).

Conditions:
Inborn genetic diseases. Identifiers: MedGen C0950123, MeSH D030342.

Submission:

Ambry Genetics
Classification: Uncertain significance for Inborn genetic diseases. Last evaluated: 2024-12-08. Review status: criteria provided, single submitter. Criteria: Ambry Variant Classification Scheme 2023. Collection method: clinical testing. Allele origin: germline.
Comment: The p.R114S variant (also known as c.342G>C), located in coding exon 3 of the RTEL1 gene, results from a G to C substitution at nucleotide position 342. The arginine at codon 114 is replaced by serine, an amino acid with dissimilar properties. This amino acid position is conserved. In addition, this alteration is predicted to be deleterious by in silico analysis. Based on the available evidence, the clinical significance of this variant remains unclear.